The following is an entry in ClinVar:

NM_001122769.3(LCA5):c.37del (p.Glu13fs)

Gene: LCA5 (lebercilin LCA5; minus strand). Cytogenetic location: 6q14.1.
Variant type: Deletion.
Coding change: c.37del on transcript NM_001122769.3 (MANE Select); coding-DNA position 37, one base deleted (G; older notation c.37delG).
Protein change: p.Glu13fs; shifts the reading frame from glutamic acid 13.
Molecular consequence: frameshift variant.
Genome position (GRCh38, 1-based): chr6:79,518,858, C deleted on the plus strand (G on the coding strand, the reverse complement: LCA5 is on the minus strand). VCF-style (leftmost placement, unchanged base first): chr6-79518857-TC-T. GRCh37 (hg19) VCF-style: chr6-80228574-TC-T.
Other names: c.37del, p.Glu13fs (NM_181714.4); short protein forms E13fs.
Identifiers: ClinVar variation 1430148 (VCV001430148.7), dbSNP rs2127683029, ClinGen allele CA2573141180.

ClinVar aggregate classification (germline): Pathogenic/Likely pathogenic. Review status: criteria provided, multiple submitters, no conflicts (2 of 4 stars). 2 submissions from 2 submitters: Pathogenic (1); Likely pathogenic (1). Last evaluated 2024-06-15.

Conditions:
Leber congenital amaurosis 5 (LCA5). Also called: Amaurosis congenita of Leber, type 5. Identifiers: Orphanet 65, MedGen C1858301, MONDO:0011473, OMIM 604537.

Submissions (2):

Fulgent Genetics
Classification: Likely pathogenic for Leber congenital amaurosis 5. Last evaluated: 2024-06-15. Review status: criteria provided, single submitter. Criteria: ACMG Guidelines, 2015. Collection method: clinical testing. Allele origin: germline.

Labcorp Genetics (formerly Invitae), Labcorp
Classification: Pathogenic. Last evaluated: 2021-04-08. Review status: criteria provided, single submitter. Criteria: Invitae Variant Classification Sherloc (09022015). Collection method: clinical testing. Allele origin: germline.
Comment: For these reasons, this variant has been classified as Pathogenic. This variant has not been reported in the literature in individuals with LCA5-related conditions. This variant is not present in population databases (ExAC no frequency). This sequence change creates a premature translational stop signal (p.Glu13Lysfs*98) in the LCA5 gene. It is expected to result in an absent or disrupted protein product. Loss-of-function variants in LCA5 are known to be pathogenic (PMID: 17546029, 23946133).

Literature cited by the submitters: PubMed 17546029 (cited by Labcorp Genetics (formerly Invitae), Labcorp); PubMed 23946133 (cited by Labcorp Genetics (formerly Invitae), Labcorp).